The following is an entry in ClinVar:

ClinVar aggregate classification (germline): Uncertain significance. Review status: criteria provided, multiple submitters, no conflicts (2 of 4 stars). 3 submissions from 3 submitters: Uncertain significance (3). Last evaluated 2025-09-25.

Conditions:
COL2A1-related disorder. Also called: COL2A1-related condition; COL2A1-related disorders.

Allele frequency attached by ClinVar (database versions not stated): gnomAD exomes below 0.00001; TOPMed below 0.00001.
gnomAD v4.1: 1 of 1,614,250 alleles (0.000062%); highest among the groups gnomAD compares: Non-Finnish European, 0.000085%; no homozygotes.

Submissions (3):

Labcorp Genetics (formerly Invitae), Labcorp
Classification: Uncertain significance. Last evaluated: 2025-09-25. Review status: criteria provided, single submitter. Criteria: Invitae Variant Classification Sherloc (09022015). Collection method: clinical testing. Allele origin: germline.
Comment: This sequence change replaces serine, which is neutral and polar, with tyrosine, which is neutral and polar, at codon 1386 of the COL2A1 protein (p.Ser1386Tyr). This variant is not present in population databases (gnomAD no frequency). This variant has not been reported in the literature in individuals affected with COL2A1-related conditions. ClinVar contains an entry for this variant (Variation ID: 2419000). Invitae Evidence Modeling of protein sequence and biophysical properties (such as structural, functional, and spatial information, amino acid conservation, physicochemical variation, residue mobility, and thermodynamic stability) indicates that this missense variant is not expected to disrupt COL2A1 protein function with a negative predictive value of 95%. In summary, the available evidence is currently insufficient to determine the role of this variant in disease. Therefore, it has been classified as a Variant of Uncertain Significance.

PreventionGenetics, part of Exact Sciences
Classification: Uncertain significance for COL2A1-related condition. Last evaluated: 2025-06-02. Review status: criteria provided, single submitter. Criteria: ACMG Guidelines, 2015. Collection method: clinical testing. Allele origin: germline.
Comment: The COL2A1 c.4157C>A variant is predicted to result in the amino acid substitution p.Ser1386Tyr. This variant has been reported in an individual with pulmonary arterial hypertension (PAH) and an atrial septal defect (referred to as p.S1317Y on transcript NM_033150 in Supplemental table 4, Zhu et al. 2018. PubMed ID: 30029678). This variant has not been reported in a large population database (gnomAD), indicating this variant is rare. At this time, the clinical significance of this variant is uncertain due to the absence of conclusive functional and genetic evidence.

Blueprint Genetics
Classification: Uncertain significance. Last evaluated: 2023-09-13. Review status: criteria provided, single submitter. Criteria: ACMG Guidelines, 2015. Collection method: clinical testing. Allele origin: germline.

NM_001844.5(COL2A1):c.4157C>A (p.Ser1386Tyr)

Gene: COL2A1 (collagen type II alpha 1 chain; minus strand). Cytogenetic location: 12q13.11.
Variant type: single nucleotide variant.
Coding change: c.4157C>A on transcript NM_001844.5 (MANE Select); coding-DNA position 4157, C replaced by A.
Protein change: p.Ser1386Tyr; replaces serine 1386 with tyrosine.
Molecular consequence: missense variant.
Genome position (GRCh38, 1-based): chr12:47,974,249, G>T on the plus strand (C>A on the coding strand, the complement: COL2A1 is on the minus strand). VCF-style: chr12-47974249-G-T. GRCh37 (hg19) VCF-style: chr12-48368032-G-T.
Other names: c.3950C>A, p.Ser1317Tyr (NM_033150.3); c.4157C>A (NM_001844.4); short protein forms S1317Y, S1386Y.
Identifiers: ClinVar variation 2419000 (VCV002419000.8), dbSNP rs1938578457, ClinGen allele CA384533745.
Genomic context (GRCh38, chr12:47,974,249, plus strand): 5'-TTGCCAGCTGCTTCGTCCAGATAGGCAATGCTGTTCTTGCAGTGGTAGGTGATGTTCTGG[G>T]AGCCTTCCGTGGACAGCAGGCGTAGGAAGGTCATCTGGACGTTGGCAGTGTTGGGAGCCA-3'
Protein context (NP_001835.3, residues 1376-1396): TFLRLLSTEG[Ser1386Tyr]QNITYHCKNS